The following is an entry in ClinVar:

NM_201384.3(PLEC):c.3442G>T (p.Ala1148Ser)

Gene: PLEC (plectin; minus strand). Cytogenetic location: 8q24.3.
Variant type: single nucleotide variant.
Coding change: c.3442G>T on transcript NM_201384.3 (MANE Select); coding-DNA position 3442, G replaced by T.
Protein change: p.Ala1148Ser; replaces alanine 1148 with serine.
Molecular consequence: missense variant.
Genome position (GRCh38, 1-based): chr8:143,927,724, C>A on the plus strand (G>T on the coding strand, the complement: PLEC is on the minus strand). VCF-style: chr8-143927724-C-A. GRCh37 (hg19) VCF-style: chr8-145001892-C-A.
Other names: c.3523G>T, p.Ala1175Ser (NM_000445.5); c.3400G>T, p.Ala1134Ser (NM_201378.4); c.3376G>T, p.Ala1126Ser (NM_201379.3); c.3853G>T, p.Ala1285Ser (NM_201380.4); c.3346G>T, p.Ala1116Ser (NM_201381.3); c.3442G>T, p.Ala1148Ser (NM_201382.4); c.3454G>T, p.Ala1152Ser (NM_201383.3); short protein forms A1116S, A1126S, A1134S, A1148S, A1152S, A1175S, A1285S.
Identifiers: ClinVar variation 448060 (VCV000448060.3), dbSNP rs370869846, ClinGen allele CA372566066.

ClinVar aggregate classification (germline): Uncertain significance. Review status: criteria provided, multiple submitters, no conflicts (2 of 4 stars). 2 submissions from 2 submitters: Uncertain significance (2). Last evaluated 2025-02-02.

Conditions:
Epidermolysis bullosa simplex 5B, with muscular dystrophy (EBS5B). Also called: EPIDERMOLYSIS BULLOSA SIMPLEX AND LIMB-GIRDLE MUSCULAR DYSTROPHY; Epidermolysis bullosa simplex with muscular dystrophy. Identifiers: Orphanet 257, MedGen C2931072, MONDO:0009181, OMIM 226670.
Epidermolysis bullosa simplex, Ogna type (EBS5A). Also called: EPIDERMOLYSIS BULLOSA SIMPLEX 5A, OGNA TYPE; Pidermolysis bullosa simplex 5A, Ogna type. Identifiers: Orphanet 79401, MedGen C0432317, MONDO:0007555, OMIM 131950.
Epidermolysis bullosa simplex 5C, with pyloric atresia (EBS5C). Also called: PLEC1-Related Epidermolysis Bullosa with Pyloric Atresia; PLEC-Related Epidermolysis Bullosa with Pyloric Atresia; Epidermolysis bullosa simplex with pyloric atresia. Identifiers: Orphanet 158684, MedGen C2677349, MONDO:0012807, OMIM 612138.
Epidermolysis bullosa simplex with nail dystrophy (EBS5D). Identifiers: MedGen C4225309, MONDO:0014661, OMIM 616487.
Autosomal recessive limb-girdle muscular dystrophy type 2Q (LGMDR17). Also called: MUSCULAR DYSTROPHY, LIMB-GIRDLE, AUTOSOMAL RECESSIVE 17. Identifiers: Orphanet 254361, MedGen C3150989, MONDO:0013390, OMIM 613723.

gnomAD v4.1: 1 of 1,593,426 alleles (0.000063%); highest among the groups gnomAD compares: South Asian, 0.0011%; no homozygotes.

Submissions (2):

Labcorp Genetics (formerly Invitae), Labcorp
Classification: Uncertain significance for Autosomal recessive limb-girdle muscular dystrophy type 2Q; Epidermolysis bullosa simplex, Ogna type; Epidermolysis bullosa simplex with nail dystrophy; Epidermolysis bullosa simplex 5C, with pyloric atresia; Epidermolysis bullosa simplex 5B, with muscular dystrophy. Last evaluated: 2025-02-02. Review status: criteria provided, single submitter. Criteria: Invitae Variant Classification Sherloc (09022015). Collection method: clinical testing. Allele origin: germline.
Comment: This sequence change replaces alanine, which is neutral and non-polar, with serine, which is neutral and polar, at codon 1175 of the PLEC protein (p.Ala1175Ser). The frequency data for this variant in the population databases is considered unreliable, as metrics indicate poor data quality at this position in the gnomAD database. This variant has not been reported in the literature in individuals affected with PLEC-related conditions. ClinVar contains an entry for this variant (Variation ID: 448060). Invitae Evidence Modeling of protein sequence and biophysical properties (such as structural, functional, and spatial information, amino acid conservation, physicochemical variation, residue mobility, and thermodynamic stability) indicates that this missense variant is not expected to disrupt PLEC protein function with a negative predictive value of 80%. In summary, the available evidence is currently insufficient to determine the role of this variant in disease. Therefore, it has been classified as a Variant of Uncertain Significance.

Athena Diagnostics
Classification: Uncertain significance. Last evaluated: 2016-08-30. Review status: criteria provided, single submitter. Criteria: Athena Diagnostics Criteria. Collection method: clinical testing. Allele origin: germline.